The following is an entry in ClinVar:

NM_000388.4(CASR):c.1534A>G (p.Asn512Asp)

Gene: CASR (calcium sensing receptor; plus strand). Cytogenetic location: 3q21.1.
Variant type: single nucleotide variant.
Coding change: c.1534A>G on transcript NM_000388.4 (MANE Select); coding-DNA position 1534, A replaced by G.
Protein change: p.Asn512Asp; replaces asparagine 512 with aspartic acid.
Molecular consequence: missense variant.
Genome position (GRCh38, 1-based): chr3:122,275,968, A>G. VCF-style: chr3-122275968-A-G. GRCh37 (hg19) VCF-style: chr3-121994815-A-G.
Other names: c.1534A>G, p.Asn512Asp (NM_001178065.2); short protein forms N512D.
Identifiers: ClinVar variation 641225 (VCV000641225.15), dbSNP rs1576870447, ClinGen allele CA354155311.

ClinVar aggregate classification (germline): Uncertain significance. Review status: criteria provided, multiple submitters, no conflicts (2 of 4 stars). 3 submissions from 3 submitters: Uncertain significance (3). Last evaluated 2023-09-24.

Conditions:
Autosomal dominant hypocalcemia 1 (HYPOC1). Also called: HYPOCALCEMIA, FAMILIAL. Identifiers: MedGen C3715128, MONDO:0011013, OMIM 601198.
Familial hypocalciuric hypercalcemia (FHH). Also called: Familial benign hypercalcemia. Identifiers: Orphanet 405, MedGen C1809471, MONDO:0018458.
Nephrolithiasis/nephrocalcinosis. Identifiers: MedGen CN580796.

Allele frequency attached by ClinVar (database versions not stated): gnomAD exomes below 0.00001; TOPMed below 0.00001.
gnomAD v4.1: 2 of 1,614,080 alleles (0.00012%); highest among the groups gnomAD compares: Non-Finnish European, 0.00017%; no homozygotes.

Submissions (3):

Ambry Genetics
Classification: Uncertain significance for Nephrolithiasis/nephrocalcinosis. Last evaluated: 2023-09-24. Review status: criteria provided, single submitter. Criteria: Ambry Variant Classification Scheme 2023. Collection method: clinical testing. Allele origin: germline.
Comment: The p.N512D variant (also known as c.1534A>G), located in coding exon 4 of the CASR gene, results from an A to G substitution at nucleotide position 1534. The asparagine at codon 512 is replaced by aspartic acid, an amino acid with highly similar properties. This amino acid position is conserved. In addition, the in silico prediction for this alteration is inconclusive. Since supporting evidence is limited at this time, the clinical significance of this alteration remains unclear.

Labcorp Genetics (formerly Invitae), Labcorp
Classification: Uncertain significance for Familial hypocalciuric hypercalcemia; Autosomal dominant hypocalcemia 1. Last evaluated: 2023-07-19. Review status: criteria provided, single submitter. Criteria: Invitae Variant Classification Sherloc (09022015). Collection method: clinical testing. Allele origin: germline.
Comment: In summary, the available evidence is currently insufficient to determine the role of this variant in disease. Therefore, it has been classified as a Variant of Uncertain Significance. An algorithm developed to predict the effect of missense changes on protein structure and function (PolyPhen-2) suggests that this variant is likely to be tolerated. ClinVar contains an entry for this variant (Variation ID: 641225). This variant has not been reported in the literature in individuals affected with CASR-related conditions. This variant is not present in population databases (gnomAD no frequency). This sequence change replaces asparagine, which is neutral and polar, with aspartic acid, which is acidic and polar, at codon 512 of the CASR protein (p.Asn512Asp).

Institute for Clinical Genetics, University Hospital TU Dresden, University Hospital TU Dresden
Classification: Uncertain significance. Last evaluated: 2021-11-03. Review status: criteria provided, single submitter. Criteria: ACMG Guidelines, 2015. Collection method: clinical testing. Allele origin: germline.